The following is an entry in ClinVar:

NM_000179.3(MSH6):c.652A>T (p.Lys218Ter)

Gene: MSH6 (mutS homolog 6; plus strand). Cytogenetic location: 2p16.3.
Variant type: single nucleotide variant.
Coding change: c.652A>T on transcript NM_000179.3 (MANE Select); coding-DNA position 652, A replaced by T.
Protein change: p.Lys218Ter; replaces lysine 218 with a stop codon.
Molecular consequence: nonsense. On other transcripts: 5 prime UTR variant (2).
Genome position (GRCh38, 1-based): chr2:47,798,635, A>T. VCF-style: chr2-47798635-A-T. GRCh37 (hg19) VCF-style: chr2-48025774-A-T.
Other names: c.262A>T, p.Lys88Ter (NM_001281492.2); c.-255A>T (NM_001281493.2, NM_001281494.2); short protein forms K218*, K88*.
Identifiers: ClinVar variation 89550 (VCV000089550.18), dbSNP rs587779315, ClinGen allele CA016159.
Genomic context (GRCh38, chr2:47,798,635, plus strand): 5'-TGATTTGTTTTTAAATACTCTTTCCTTGCCTGGCAGGTAGGCACAACTTACGTAACAGAT[A>T]AGAGTGAAGAAGATAATGAAATTGAGAGTGAAGAGGAAGTACAGCCTAAGACACAAGGAT-3'

ClinVar aggregate classification (germline): Pathogenic. Review status: reviewed by expert panel (3 of 4 stars). 4 submissions from 4 submitters: Pathogenic (1). 3 of the submissions do not count toward it. Last evaluated 2013-09-05.

Conditions:
Hereditary cancer-predisposing syndrome. Also called: Tumor predisposition; Hereditary Cancer Syndrome; Hereditary neoplastic syndrome; Neoplastic Syndromes, Hereditary. Identifiers: Orphanet 140162, MedGen C0027672, MeSH D009386, MONDO:0015356.
Lynch syndrome. Identifiers: Orphanet 144, MedGen C4552100, MONDO:0005835. Disease mechanism: loss of function.
Hereditary nonpolyposis colorectal neoplasms. Identifiers: MedGen C0009405, MeSH D003123.
Malignant tumor of breast. Also called: Malignant breast neoplasm; Cancer breast. Identifiers: MedGen C0006142, MONDO:0007254. Disease mechanism: loss of function.

Submissions (4):

International Society for Gastrointestinal Hereditary Tumours (InSiGHT)
Classification: Pathogenic for Lynch Syndrome. Last evaluated: 2013-09-05. Review status: reviewed by expert panel. Criteria: Guidelines v1.9. Collection method: research. Allele origin: germline.
Comment: Coding sequence variation resulting in a stop codon

Classified with v1.9 guidelines

Labcorp Genetics (formerly Invitae), Labcorp
Classification: Pathogenic for Hereditary nonpolyposis colorectal neoplasms. Last evaluated: 2023-06-14. Review status: criteria provided, single submitter. Criteria: Invitae Variant Classification Sherloc (09022015). Collection method: clinical testing. Allele origin: germline. Not counted in ClinVar's aggregate classification.
Comment: This premature translational stop signal has been observed in individual(s) with clinical features of MSH6-related conditions (PMID: 21520333). This variant is not present in population databases (gnomAD no frequency). This sequence change creates a premature translational stop signal (p.Lys218*) in the MSH6 gene. It is expected to result in an absent or disrupted protein product. Loss-of-function variants in MSH6 are known to be pathogenic (PMID: 18269114, 24362816). ClinVar contains an entry for this variant (Variation ID: 89550). For these reasons, this variant has been classified as Pathogenic.

Ambry Genetics
Classification: Pathogenic for Hereditary cancer-predisposing syndrome. Last evaluated: 2019-10-24. Review status: criteria provided, single submitter. Criteria: Ambry Variant Classification Scheme 2023. Collection method: clinical testing. Allele origin: germline. Not counted in ClinVar's aggregate classification.
Comment: The p.K218* pathogenic mutation (also known as c.652A>T), located in coding exon 4 of the MSH6 gene, results from an A to T substitution at nucleotide position 652. This changes the amino acid from a lysine to a stop codon within coding exon 4. This alteration is expected to result in loss of function by premature protein truncation or nonsense-mediated mRNA decay. As such, this alteration is interpreted as a disease-causing mutation.

Department of Pathology and Laboratory Medicine, Sinai Health System
Classification: Pathogenic for Malignant tumor of breast. Review status: no assertion criteria provided. Collection method: clinical testing. Allele origin: unknown. Affected: yes. Study: The Canadian Open Genetics Repository (COGR). Not counted in ClinVar's aggregate classification.
Comment: The MSH6 p.Lys218* variant was not identified in the literature nor was it identified in the UMD-LSDB database. The variant was identified in dbSNP (ID: rs587779315) as "with Pathogenic allele", in ClinVar (1x as Pathogenic by InSiGHT) and in the Insight Colon Cancer Gene Variant Database (as class 5: pathogenic). The variant was not identified in the following control databases: the Exome Aggregation Consortium (August 8th 2016), or the Genome Aggregation Database (Feb 27, 2017). The c.652A>T variant leads to a premature stop codon at position 218 which is predicted to lead to a truncated or absent protein and loss of function. Loss of function variants of the MSH6 gene are an established mechanism of disease in Lynch syndrome related cancers and this is the type of variant expected to cause the disorder. In summary, based on the above information this variant meets our laboratoryâ€šÃ„Ã´s criteria to be classified as pathogenic.

Literature cited by the submitters: PubMed 21520333 (cited by Labcorp Genetics (formerly Invitae), Labcorp); PubMed 18269114 (cited by Labcorp Genetics (formerly Invitae), Labcorp); PubMed 24362816 (cited by Labcorp Genetics (formerly Invitae), Labcorp).